The following is an entry in ClinVar:

NM_001163435.3(TBCK):c.193+1G>T

Gene: TBCK (TBC1 domain containing kinase; minus strand). Cytogenetic location: 4q24.
Variant type: single nucleotide variant.
Coding change: c.193+1G>T on transcript NM_001163435.3 (MANE Select); the canonical splice donor site of the intron after coding-DNA position 193, G replaced by T.
Molecular consequence: splice donor variant.
Genome position (GRCh38, 1-based): chr4:106,308,767, C>A on the plus strand (G>T on the coding strand, the complement: TBCK is on the minus strand). VCF-style: chr4-106308767-C-A. GRCh37 (hg19) VCF-style: chr4-107229924-C-A.
Other names: c.193+1G>T (NM_001163436.4, NM_033115.5, NM_001163437.3); c.-425+1G>T (NM_001290768.2).
Identifiers: ClinVar variation 984709 (VCV000984709.2), dbSNP rs1767828321, ClinGen allele CA357973876.

ClinVar aggregate classification (germline): Pathogenic. Review status: criteria provided, multiple submitters, no conflicts (2 of 4 stars). 2 submissions from 2 submitters: Pathogenic (2). Last evaluated 2025-01-15.

Conditions:
Hypotonia, infantile, with psychomotor retardation and characteristic facies 3 (IHPRF3). Also called: TBCK-Related Neurodevelopmental Disorder. Identifiers: Orphanet 488632, MedGen C5567480, MONDO:0014823, OMIM 616900.

Allele frequency attached by ClinVar (database versions not stated): gnomAD exomes below 0.00001.
gnomAD v4.1: 2 of 1,603,092 alleles (0.00012%); highest among the groups gnomAD compares: East Asian, 0.0045%; no homozygotes.

Submissions (2):

Broad Center for Mendelian Genomics, Broad Institute of MIT and Harvard
Classification: Pathogenic for Hypotonia, infantile, with psychomotor retardation and characteristic facies 3. Last evaluated: 2025-01-15. Review status: criteria provided, single submitter. Criteria: ACMG Guidelines, 2015. Collection method: curation. Allele origin: germline. Inheritance: Autosomal recessive inheritance.
Comment: The c.193+1G>T variant in TBCK has been reported, in the homozygous state, in one individual with TBCK-related intellectual disability syndrome (PMID: 28097321), and has been identified in 0.004% (2/44768) of East Asian chromosomes by the Genome Aggregation Database (gnomAD; dbSNP rs1767828321). Although this variant has been seen in the general population in a heterozygous state, its frequency is low enough to be consistent with a recessive carrier frequency. This variant has also been reported in ClinVar (Variation ID: 1180828) and has been interpreted as pathogenic by Institute of Human Genetics (University of Leipzig Medical Center). This variant is located in the 3' splice region. SpliceAI predictions indicate use of an out-of-frame cryptic splice site 28 bases from the intron-exon boundary, providing evidence that this variant may cause a frameshift and lead to a premature termination codon downstream. This alteration is then predicted to lead to a truncated or absent protein. However, this information is not predictive enough to determine pathogenicity. Loss of function of the TBCK gene is an established disease mechanism in autosomal recessive TBCK-related intellectual disability syndrome. In summary, this variant meets criteria to be classified as pathogenic for autosomal recessive TBCK-related intellectual disability syndrome. ACMG/AMP Criteria applied: PVS1, PM3_supporting, PM2_supporting (Richards 2015).

Institute of Human Genetics, University of Leipzig Medical Center
Classification: Pathogenic for Hypotonia, infantile, with psychomotor retardation and characteristic facies 3. Last evaluated: 2020-03-01. Review status: criteria provided, single submitter. Criteria: ACMG Guidelines, 2015. Collection method: clinical testing. Allele origin: biparental. Inheritance: Autosomal recessive inheritance. Affected: yes.
Comment: Review of the variants reported in Reuter et al., 2017, PMID: 28097321: PVS1,PM2,PM3_Supporting,(PP1)